The following is an entry in ClinVar:

ClinVar aggregate classification (germline): Uncertain significance (1 of 4 stars; one submission).

Submission:

Quest Diagnostics Nichols Institute San Juan Capistrano
Classification: Uncertain significance. Last evaluated: 2024-09-02. Review status: criteria provided, single submitter. Criteria: Quest Diagnostics criteria. Collection method: clinical testing. Allele origin: unknown.
Comment: The XRCC2 c.122-5C>T variant has not been reported in individuals with XRCC2-related conditions in the published literature. It also has not been reported in large, multi-ethnic general populations (Genome Aggregation Database). Analysis of this variant using software algorithms for the prediction of the effect of nucleotide changes on splicing yielded predictions that this variant does not affect XRCC2 mRNA splicing. Based on the available information, we are unable to determine the clinical significance of this variant.

NM_005431.2(XRCC2):c.122-5C>T

Gene: XRCC2 (X-ray repair cross complementing 2; minus strand). Cytogenetic location: 7q36.1.
Variant type: single nucleotide variant.
Coding change: c.122-5C>T on transcript NM_005431.2 (MANE Select); 5 bases into the intron before coding-DNA position 122, C replaced by T.
Molecular consequence: intron variant.
Genome position (GRCh38, 1-based): chr7:152,649,368, G>A on the plus strand (C>T on the coding strand, the complement: XRCC2 is on the minus strand). VCF-style: chr7-152649368-G-A. GRCh37 (hg19) VCF-style: chr7-152346453-G-A.
Identifiers: ClinVar variation 3572248 (VCV003572248.1).